The following is an entry in ClinVar:

ClinVar aggregate classification (germline): Uncertain significance. Review status: criteria provided, multiple submitters, no conflicts (2 of 4 stars). 2 submissions from 2 submitters: Uncertain significance (2). Last evaluated 2025-08-06.

Conditions:
Cardiovascular phenotype. Identifiers: MedGen CN230736.
Long QT syndrome (LQTS). Identifiers: MedGen C0023976, MeSH D008133, MONDO:0002442. Disease mechanism: loss of function. Inheritance: Various modes of inheritance.

Allele frequency attached by ClinVar (database versions not stated): gnomAD exomes 0.00001; TOPMed 0.00005.
gnomAD v4.1: 39 of 1,613,682 alleles (0.0024%); highest among the groups gnomAD compares: African/African-American, 0.004%; no homozygotes.

Submissions (2):

Ambry Genetics
Classification: Uncertain significance for Cardiovascular phenotype. Last evaluated: 2025-08-06. Review status: criteria provided, single submitter. Criteria: Ambry Variant Classification Scheme 2023. Collection method: clinical testing. Allele origin: germline.
Comment: The p.I3775V variant (also known as c.11323A>G), located in coding exon 46 of the AKAP9 gene, results from an A to G substitution at nucleotide position 11323. The isoleucine at codon 3775 is replaced by valine, an amino acid with highly similar properties. This amino acid position is well conserved in available vertebrate species; however, valine is the reference amino acid in other vertebrate species. In addition, this alteration is predicted to be tolerated by in silico analysis. Since supporting evidence is limited at this time, the clinical significance of this alteration remains unclear.

Labcorp Genetics (formerly Invitae), Labcorp
Classification: Uncertain significance for Long QT syndrome. Last evaluated: 2024-06-21. Review status: criteria provided, single submitter. Criteria: Invitae Variant Classification Sherloc (09022015). Collection method: clinical testing. Allele origin: germline.
Comment: This sequence change replaces isoleucine, which is neutral and non-polar, with valine, which is neutral and non-polar, at codon 3775 of the AKAP9 protein (p.Ile3775Val). This variant is present in population databases (no rsID available, gnomAD 0.008%). This variant has not been reported in the literature in individuals affected with AKAP9-related conditions. ClinVar contains an entry for this variant (Variation ID: 1037760). Algorithms developed to predict the effect of missense changes on protein structure and function output the following: SIFT: "Not Available"; PolyPhen-2: "Benign"; Align-GVGD: "Not Available". The valine amino acid residue is found in multiple mammalian species, which suggests that this missense change does not adversely affect protein function. In summary, the available evidence is currently insufficient to determine the role of this variant in disease. Therefore, it has been classified as a Variant of Uncertain Significance.

NM_005751.5(AKAP9):c.11323A>G (p.Ile3775Val)

Gene: AKAP9 (A-kinase anchoring protein 9; plus strand). Cytogenetic location: 7q21.2.
Variant type: single nucleotide variant.
Coding change: c.11323A>G on transcript NM_005751.5 (MANE Select); coding-DNA position 11323, A replaced by G.
Protein change: p.Ile3775Val; replaces isoleucine 3775 with valine.
Molecular consequence: missense variant.
Genome position (GRCh38, 1-based): chr7:92,102,819, A>G. VCF-style: chr7-92102819-A-G. GRCh37 (hg19) VCF-style: chr7-91732133-A-G.
Other names: c.5968A>G, p.Ile1990Val (NM_001379277.1); c.11299A>G, p.Ile3767Val (NM_147185.3); short protein forms I3775V, I3767V, I1990V.
Identifiers: ClinVar variation 1037760 (VCV001037760.14), dbSNP rs910995516, ClinGen allele CA161901148.